The following is an entry in ClinVar:

NM_001349338.3(FOXP1):c.1722G>A (p.Gln574=)

Gene: FOXP1 (forkhead box P1; minus strand). Cytogenetic location: 3p13.
Variant type: single nucleotide variant.
Coding change: c.1722G>A on transcript NM_001349338.3 (MANE Select); coding-DNA position 1722, G replaced by A.
Protein change: p.Gln574=; no amino-acid change (glutamine 574 retained).
Molecular consequence: synonymous variant. On other transcripts: non-coding transcript variant (2).
Genome position (GRCh38, 1-based): chr3:70,970,736, C>T on the plus strand (G>A on the coding strand, the complement: FOXP1 is on the minus strand). VCF-style: chr3-70970736-C-T. GRCh37 (hg19) VCF-style: chr3-71019887-C-T.
Other names: c.1719G>A, p.Gln573= (NM_001244808.3, NM_001349341.3); c.1770G>A, p.Gln590= (NM_001244810.2); c.1494G>A, p.Gln498= (NM_001244812.3); c.1422G>A, p.Gln474= (NM_001244813.3, NM_001244815.2, NM_001349342.3); c.1722G>A, p.Gln574= (NM_001244814.3, NM_001244816.2, NM_001349340.3 and 1 more transcripts); c.1419G>A, p.Gln473= (NM_001349337.2, NM_001349343.3, NM_001349344.3 and 1 more transcripts).
Identifiers: ClinVar variation 1184108 (VCV001184108.2), dbSNP rs2107155481, ClinGen allele CA434164027.
Genomic context (GRCh38, chr3:70,970,736, plus strand): 5'-TGAAATGAGTAGGGGAGACCTGTGCCTCTGCTGCATATTCGGGACGGCCGTTAATCTTAC[C>T]TGTAAAGCTGCATTGAGAGGTGTGCAGTAGGCGTGGCTGCTCTGCATGTTTTTAATAAGG-3'
Protein context (NP_001336267.1, residues 564-584): AYCTPLNAAL[Gln574=]ASMAENSIPL

ClinVar aggregate classification (germline): Conflicting classifications of pathogenicity. Review status: criteria provided, conflicting classifications (1 of 4 stars). 2 submissions from 2 submitters: Pathogenic (1); Uncertain significance (1). Last evaluated 2026-07-28.

Submissions (2):

Department of Medical Genetics, Ordu University Medical School Training and Research Hospital
Classification: Uncertain significance. Last evaluated: 2026-07-28. Review status: criteria provided, single submitter. Criteria: ACMG Guidelines, 2015. Collection method: clinical testing. Allele origin: de novo. Observed: 1 variant allele, 1 heterozygote.
Comment: Synonymous at the protein level (p.Gln574=) but predicted to disrupt splicing (SpliceAI delta score 0.92); shown by parental testing to have arisen de novo. FOXP1 has a ClinGen haploinsufficiency score of 3 and loss of function is the established disease mechanism for FOXP1-related neurodevelopmental disorder. The variant was nevertheless retained as uncertain significance because the predicted splicing effect was not confirmed at the RNA level (cDNA or minigene analysis) and the neurodevelopmental phenotype that defines the associated disorder cannot be assessed prenatally. ClinVar contains an existing pathogenic classification for this variant (VCV001184108).

Laboratoire Génétique Moléculaire, CHRU TOURS
Classification: Pathogenic. Last evaluated: 2018-07-23. Review status: criteria provided, single submitter. Criteria: ACMG Guidelines, 2015. Collection method: clinical testing. Allele origin: de novo. Affected: yes.